The following is an entry in ClinVar:

NM_001034853.2(RPGR):c.1307G>A (p.Gly436Asp)

Gene: RPGR (retinitis pigmentosa GTPase regulator; minus strand). Cytogenetic location: Xp11.4.
Variant type: single nucleotide variant.
Coding change: c.1307G>A on transcript NM_001034853.2 (MANE Select); coding-DNA position 1307, G replaced by A.
Protein change: p.Gly436Asp; replaces glycine 436 with aspartic acid.
Molecular consequence: missense variant. On other transcripts: non-coding transcript variant (6).
Genome position (GRCh38, 1-based): chrX:38,297,391, C>T on the plus strand (G>A on the coding strand, the complement: RPGR is on the minus strand). VCF-style: chrX-38297391-C-T. GRCh37 (hg19) VCF-style: chrX-38156644-C-T.
Other names: NM_001034853.2(RPGR):c.1307G>A; c.1307G>A, p.Gly436Asp (NM_000328.3, NM_001367247.1); c.1304G>A, p.Gly435Asp (NM_001367245.1, NM_001367249.1, NM_001367250.1); c.1121G>A, p.Gly374Asp (NM_001367246.1, NM_001367251.1); c.1337G>A, p.Gly446Asp (NM_001367248.1); short protein forms G436D, G446D, G374D, G435D.
Identifiers: ClinVar variation 98738 (VCV000098738.3), dbSNP rs62635004, ClinGen allele CA226356.

ClinVar aggregate classification (germline): Likely pathogenic. Review status: reviewed by expert panel (3 of 4 stars). 3 submissions from 3 submitters: Likely pathogenic (1). 2 of the submissions do not count toward it. Last evaluated 2026-01-25.

Conditions:
RPGR-related retinopathy. Also called: RPGR retinopathy. Identifiers: MedGen CN305589, MONDO:0100437.
RPGR-related disorder. Also called: RPGR-related condition.

Submissions (3):

ClinGen X-linked Inherited Retinal Disease Variant Curation Expert Panel, ClinGen
Classification: Likely pathogenic for RPGR-related retinopathy. Last evaluated: 2026-01-25. Review status: reviewed by expert panel. Criteria: ClinGen X LinkedIRD ACMG Specifications RPGR V1.0.0. Collection method: curation. Allele origin: germline. Inheritance: X-linked inheritance.
Comment: NM_001034853.2(RPGR):c.1307G>A (p.Gly436Asp) is a missense variant predicted to cause substitution of glycine by aspartate at amino acid 436. The computational predictor REVEL gives a score of 0.271, which is below the ClinGen X-linked IRD VCEP threshold of ≥0.644 and does not predict a damaging effect on RPGR function. However, the splicing impact predictor SpliceAI gives delta scores of 0.48 for acceptor loss and 0.41 for acceptor gain, which are above the ClinGen X-linked IRD VCEP recommended threshold of ≥0.2 and predict a deleterious impact on splicing (PP3). This variant is absent from gnomAD v4.1.0 (PM2_Supporting). This variant has been reported in at least 2 apparently unrelated probands meeting one of the PS4 requirements of some functional vision impairment in affected males by age 30 years, and/or decreased or absent electroretinogram responses (PMID: 26164827, PMID: 36445968, PMID: 32209785, PMID: 32098976, and PMID: 28863407, PS4_Supporting). At least one proband harboring this variant exhibits a phenotype including a family history consistent with X-linked inheritance (2 pts), showing a milder phenotype in affected females (1 pt), reduced visual acuity (0.5 pts), and visual field constriction (0.5 pts), which together are specific for RPGR-related retinopathy (4 points, PMID: 10937588, PP4). The variant has been reported to segregate with retinal dystrophy through at least 3 affected meioses from 1 family (PMID: 10937588, PP1_Moderate). In summary, this variant is classified as likely pathogenic for RPGR-related retinopathy based on the ClinGen X-linked Inherited Retinal Disease Expert Panel Specifications to the ACMG/AMP Variant Interpretation Guidelines for RPGR Version 1.0.0; PP3, PM2_Supporting, PS4_Supporting, PP4, and PP1_Moderate.

Blueprint Genetics
Classification: Likely pathogenic for RPGR-related disorders. Last evaluated: 2023-12-15. Review status: criteria provided, single submitter. Criteria: ACMG Guidelines, 2015. Collection method: clinical testing. Allele origin: germline. Affected: yes. Observed: 5 variant alleles. Not counted in ClinVar's aggregate classification.

Retina International
No classification provided. Review status: no classification provided. Collection method: not provided. Allele origin: not provided. Not counted in ClinVar's aggregate classification.